The following is an entry in ClinVar:

ClinVar aggregate classification (germline): Uncertain significance (1 of 4 stars; one submission).

Conditions:
Dilated cardiomyopathy 1DD (CMD1DD). Identifiers: Orphanet 154, MedGen C2750995, MONDO:0013168, OMIM 613172.

gnomAD v4.1: 1 of 1,551,312 alleles (0.000064%); highest among the groups gnomAD compares: Non-Finnish European, 0.000087%; no homozygotes.

Submission:

Labcorp Genetics (formerly Invitae), Labcorp
Classification: Uncertain significance for Dilated cardiomyopathy 1DD. Last evaluated: 2024-12-24. Review status: criteria provided, single submitter. Criteria: Invitae Variant Classification Sherloc (09022015). Collection method: clinical testing. Allele origin: germline.
Comment: This sequence change replaces proline, which is neutral and non-polar, with serine, which is neutral and polar, at codon 1157 of the RBM20 protein (p.Pro1157Ser). This variant is not present in population databases (gnomAD no frequency). This variant has not been reported in the literature in individuals affected with RBM20-related conditions. Invitae Evidence Modeling of protein sequence and biophysical properties (such as structural, functional, and spatial information, amino acid conservation, physicochemical variation, residue mobility, and thermodynamic stability) has been performed for this missense variant. However, the output from this modeling did not meet the statistical confidence thresholds required to predict the impact of this variant on RBM20 protein function. In summary, the available evidence is currently insufficient to determine the role of this variant in disease. Therefore, it has been classified as a Variant of Uncertain Significance.

NM_001134363.3(RBM20):c.3469C>T (p.Pro1157Ser)

Gene: RBM20 (RNA binding motif protein 20; plus strand). Cytogenetic location: 10q25.2.
Variant type: single nucleotide variant.
Coding change: c.3469C>T on transcript NM_001134363.3 (MANE Select); coding-DNA position 3469, C replaced by T.
Protein change: p.Pro1157Ser; replaces proline 1157 with serine.
Molecular consequence: missense variant.
Genome position (GRCh38, 1-based): chr10:110,831,078, C>T. VCF-style: chr10-110831078-C-T. GRCh37 (hg19) VCF-style: chr10-112590836-C-T.
Other names: short protein forms P1157S.
Identifiers: ClinVar variation 3617499 (VCV003617499.2).